The following is an entry in ClinVar:

ClinVar aggregate classification (germline): Likely benign (0 of 4 stars; one submission).

Conditions:
SLAIN1-related disorder. Also called: SLAIN1-related condition.

Allele frequency attached by ClinVar (database versions not stated): gnomAD 0.00003; gnomAD exomes 0.00005; ExAC 0.00008; ESP Exome Variant Server 0.00008; TOPMed 0.00008.
gnomAD v4.1: 81 of 1,612,756 alleles (0.005%); highest among the groups gnomAD compares: Admixed American, 0.05%; no homozygotes.

Submission:

PreventionGenetics, part of Exact Sciences
Classification: Likely benign for SLAIN1-related condition. Last evaluated: 2019-06-12. Review status: no assertion criteria provided. Collection method: clinical testing. Allele origin: germline.
Comment: This variant is classified as likely benign based on ACMG/AMP sequence variant interpretation guidelines (Richards et al. 2015 PMID: 25741868, with internal and published modifications).

NM_001242868.2(SLAIN1):c.1341C>T (p.Thr447=)

Gene: SLAIN1 (SLAIN motif family member 1; plus strand). Cytogenetic location: 13q22.3.
Variant type: single nucleotide variant.
Coding change: c.1341C>T on transcript NM_001242868.2 (MANE Select); coding-DNA position 1341, C replaced by T.
Protein change: p.Thr447=; no amino-acid change (threonine 447 retained).
Molecular consequence: synonymous variant.
Genome position (GRCh38, 1-based): chr13:77,753,285, C>T. VCF-style: chr13-77753285-C-T. GRCh37 (hg19) VCF-style: chr13-78327420-C-T.
Other names: c.849C>T, p.Thr283= (NM_001040153.4); c.144C>T, p.Thr48= (NM_001242869.2, NM_001242870.2); c.483C>T, p.Thr161= (NM_001242871.2); c.999C>T, p.Thr333= (NM_001366665.1); c.486C>T, p.Thr162= (NM_001366666.1, NM_144595.4); c.1491C>T, p.Thr497= (NM_001411026.1); c.1344C>T, p.Thr448= (NM_001412123.1); c.1494C>T, p.Thr498= (NM_001412125.1).
Identifiers: ClinVar variation 3034466 (VCV003034466.2), dbSNP rs370113642, ClinGen allele CA7011982.